The following is an entry in ClinVar:

NM_000051.4(ATM):c.663-12_663-9del

Gene: ATM (ATM serine/threonine kinase; plus strand). Cytogenetic location: 11q22.3.
Variant type: Microsatellite.
Coding change: c.663-12_663-9del on transcript NM_000051.4 (MANE Select); 12 bases into the intron before coding-DNA position 663 through 9 bases into the intron before coding-DNA position 663, 4 bases deleted (GTTT; older notation c.663-12_663-9delGTTT).
Molecular consequence: intron variant.
Genome position (GRCh38, 1-based): chr11:108,244,776-108,244,779, GTTT deleted; deleting any 4 consecutive bases within chr11:108,244,770-108,244,779 gives the same sequence; the c. name uses the placement nearest the transcript's 3' end. VCF-style (leftmost placement, unchanged base first): chr11-108244769-CTTGT-C. GRCh37 (hg19) VCF-style: chr11-108115496-CTTGT-C.
Other names: c.663-12_663-9del (NM_001351834.2).
Identifiers: ClinVar variation 2163640 (VCV002163640.4), dbSNP rs2497145870, ClinGen allele CA2580616418.
Genomic context (GRCh38, chr11:108,244,769, plus strand): 5'-CATACCACTTCATAACTGTTCAGTTTGTACAGTTTGTTCCCCCTGTTATACCCAGTTGAG[CTTGT>C]TTGTTTCTTCACAGACAAGAAAAGAGCTCTTCAGGTCTAAATCATATCTTAGCAGCTCTT-3'

ClinVar aggregate classification (germline): Uncertain significance (1 of 4 stars; one submission).

Conditions:
Ataxia-telangiectasia syndrome (AT). Also called: Ataxia telangiectasia (A-T); AT, COMPLEMENTATION GROUP C; Ataxia-telangiectasia, complementation group D; Cerebello-oculocutaneous telangiectasia; Immunodeficiency with ataxia telangiectasia; LOUIS-BAR SYNDROME. Identifiers: Orphanet 100, MedGen C0004135, MONDO:0008840, OMIM 208900.

Submission:

Labcorp Genetics (formerly Invitae), Labcorp
Classification: Uncertain significance for Ataxia-telangiectasia syndrome. Last evaluated: 2025-11-25. Review status: criteria provided, single submitter. Criteria: Invitae Variant Classification Sherloc (09022015). Collection method: clinical testing. Allele origin: germline.
Comment: This sequence change falls in intron 6 of the ATM gene. It does not directly change the encoded amino acid sequence of the ATM protein. This variant is not present in population databases (gnomAD no frequency). This variant has not been reported in the literature in individuals affected with ATM-related conditions. Algorithms developed to predict the effect of sequence changes on RNA splicing suggest that this variant may disrupt the consensus splice site. In summary, the available evidence is currently insufficient to determine the role of this variant in disease. Therefore, it has been classified as a Variant of Uncertain Significance.